The following is an entry in ClinVar:

ClinVar aggregate classification (germline): Uncertain significance (1 of 4 stars; one submission).

gnomAD v4.1: 5 of 1,613,874 alleles (0.00031%); highest among the groups gnomAD compares: Non-Finnish European, 0.00034%; no homozygotes.

Submission:

GeneDx
Classification: Uncertain significance. Last evaluated: 2024-10-11. Review status: criteria provided, single submitter. Criteria: GeneDx Variant Classification Process June 2021. Collection method: clinical testing. Allele origin: germline. Affected: yes.
Comment: Not observed at significant frequency in large population cohorts (gnomAD); In silico analysis indicates that this missense variant does not alter protein structure/function; Has not been previously published as pathogenic or benign to our knowledge

NM_017909.4(RMND1):c.59A>G (p.His20Arg)

Gene: RMND1 (required for meiotic nuclear division 1 homolog; minus strand). Cytogenetic location: 6q25.1.
Variant type: single nucleotide variant.
Coding change: c.59A>G on transcript NM_017909.4 (MANE Select); coding-DNA position 59, A replaced by G.
Protein change: p.His20Arg; replaces histidine 20 with arginine.
Molecular consequence: missense variant. On other transcripts: intron variant (1).
Genome position (GRCh38, 1-based): chr6:151,445,753, T>C on the plus strand (A>G on the coding strand, the complement: RMND1 is on the minus strand). VCF-style: chr6-151445753-T-C. GRCh37 (hg19) VCF-style: chr6-151766888-T-C.
Other names: c.-7+6263A>G (NM_001271937.2); short protein forms H20R.
Identifiers: ClinVar variation 3777620 (VCV003777620.1).
Genomic context (GRCh38, chr6:151,445,753, plus strand): 5'-GTTGTATTTTCAAATTCCTTAAGTGGTTTTAACATTAGATGACCGATTCTTCGGCACTGA[T>C]GTGCTTTTGATAATATATGATGAGATCTGGCCACGGCTCTGAGGAGTGTGGCTGGCATTA-3'
Protein context (NP_060379.2, residues 10-30): ARSHHILSKA[His20Arg]QCRRIGHLML